The following is an entry in ClinVar:

ClinVar aggregate classification (germline): Conflicting classifications of pathogenicity. Review status: criteria provided, conflicting classifications (1 of 4 stars). 7 submissions from 7 submitters: Uncertain significance (1); Benign (1); Likely benign (5). Last evaluated 2025-11-01.

Conditions:
Hereditary nonpolyposis colorectal neoplasms. Identifiers: MedGen C0009405, MeSH D003123.
Lynch syndrome 5 (LYNCH5). Also called: Colorectal cancer, hereditary nonpolyposis, type 5; Hereditary non-polyposis colorectal cancer, type 5. Identifiers: Orphanet 144, MedGen C1833477, MONDO:0013710, OMIM 614350. Disease mechanism: loss of function.
Hereditary cancer-predisposing syndrome. Also called: Neoplastic Syndromes, Hereditary; Tumor predisposition; Hereditary Cancer Syndrome; Hereditary neoplastic syndrome. Identifiers: Orphanet 140162, MedGen C0027672, MeSH D009386, MONDO:0015356.

Allele frequency attached by ClinVar (database versions not stated): gnomAD exomes below 0.00001.
gnomAD v4.1: 3 of 1,561,786 alleles (0.00019%); highest among the groups gnomAD compares: Non-Finnish European, 0.00017%; no homozygotes.

Submissions (7):

Labcorp Genetics (formerly Invitae), Labcorp
Classification: Likely benign for Hereditary nonpolyposis colorectal neoplasms. Last evaluated: 2025-11-01. Review status: criteria provided, single submitter. Criteria: Invitae Variant Classification Sherloc (09022015). Collection method: clinical testing. Allele origin: germline.

Myriad Genetics, Inc.
Classification: Benign for Lynch syndrome 5. Last evaluated: 2025-01-02. Review status: criteria provided, single submitter. Criteria: Myriad Autosomal Dominant, Autosomal Recessive and X-Linked Classification Criteria (2023). Collection method: clinical testing. Allele origin: unknown.
Comment: This variant is considered benign. This variant is a silent/synonymous amino acid change and it is not expected to impact splicing.

Women's Health and Genetics/Laboratory Corporation of America, LabCorp
Classification: Likely benign. Last evaluated: 2020-01-31. Review status: criteria provided, single submitter. Criteria: LabCorp Variant Classification Summary - May 2015. Collection method: clinical testing. Allele origin: germline.

Genetic Services Laboratory, University of Chicago
Classification: Uncertain significance. Last evaluated: 2019-07-24. Review status: criteria provided, single submitter. Criteria: ACMG Guidelines, 2015. Collection method: clinical testing. Allele origin: germline. Affected: no.

Color Diagnostics, LLC DBA Color Health
Classification: Likely benign for Hereditary cancer-predisposing syndrome. Last evaluated: 2017-05-22. Review status: criteria provided, single submitter. Criteria: ACMG Guidelines, 2015. Collection method: clinical testing. Allele origin: germline.

GeneDx
Classification: Likely benign. Last evaluated: 2017-04-26. Review status: criteria provided, single submitter. Criteria: GeneDx Variant Classification (06012015). Collection method: clinical testing. Allele origin: germline. Affected: yes.
Comment: This variant is considered likely benign or benign based on one or more of the following criteria: it is a conservative change, it occurs at a poorly conserved position in the protein, it is predicted to be benign by multiple in silico algorithms, and/or has population frequency not consistent with disease.

Ambry Genetics
Classification: Likely benign for Hereditary cancer-predisposing syndrome. Last evaluated: 2015-02-24. Review status: criteria provided, single submitter. Criteria: Ambry Variant Classification Scheme 2023. Collection method: clinical testing. Allele origin: germline.

NM_000179.3(MSH6):c.2986T>C (p.Leu996=)

Gene: MSH6 (mutS homolog 6; plus strand). Cytogenetic location: 2p16.3.
Variant type: single nucleotide variant.
Coding change: c.2986T>C on transcript NM_000179.3 (MANE Select); coding-DNA position 2986, T replaced by C.
Protein change: p.Leu996=; no amino-acid change (leucine 996 retained).
Molecular consequence: synonymous variant.
Genome position (GRCh38, 1-based): chr2:47,800,969, T>C. VCF-style: chr2-47800969-T-C. GRCh37 (hg19) VCF-style: chr2-48028108-T-C.
Other names: c.2596T>C, p.Leu866= (NM_001281492.2); c.2080T>C, p.Leu694= (NM_001281493.2, NM_001281494.2).
Identifiers: ClinVar variation 230509 (VCV000230509.22), dbSNP rs876658605, ClinGen allele CA10578126.